The following is an entry in ClinVar:

ClinVar aggregate classification (germline): Uncertain significance. Review status: criteria provided, multiple submitters, no conflicts (2 of 4 stars). 2 submissions from 2 submitters: Uncertain significance (2). Last evaluated 2024-07-06.

Conditions:
Hereditary cancer-predisposing syndrome. Also called: Tumor predisposition; Hereditary Cancer Syndrome; Neoplastic Syndromes, Hereditary; Hereditary neoplastic syndrome. Identifiers: Orphanet 140162, MedGen C0027672, MeSH D009386, MONDO:0015356.
Cardiovascular phenotype. Identifiers: MedGen CN230736.
Neurofibromatosis, type 1 (NF1). Also called: VON RECKLINGHAUSEN DISEASE; Neurofibromatosis, type I; NEUROFIBROMATOSIS, TYPE I, SOMATIC; Peripheral type neurofibromatosis. Identifiers: Orphanet 636, MedGen C0027831, MONDO:0018975, OMIM 162200. Disease mechanism: loss of function.

Submissions (2):

Labcorp Genetics (formerly Invitae), Labcorp
Classification: Uncertain significance for Neurofibromatosis, type 1. Last evaluated: 2024-07-06. Review status: criteria provided, single submitter. Criteria: Invitae Variant Classification Sherloc (09022015). Collection method: clinical testing. Allele origin: germline.
Comment: This sequence change replaces valine, which is neutral and non-polar, with alanine, which is neutral and non-polar, at codon 34 of the NF1 protein (p.Val34Ala). This variant is not present in population databases (gnomAD no frequency). This variant has not been reported in the literature in individuals affected with NF1-related conditions. ClinVar contains an entry for this variant (Variation ID: 1009951). Advanced modeling of protein sequence and biophysical properties (such as structural, functional, and spatial information, amino acid conservation, physicochemical variation, residue mobility, and thermodynamic stability) has been performed at Invitae for this missense variant, however the output from this modeling did not meet the statistical confidence thresholds required to predict the impact of this variant on NF1 protein function. In summary, the available evidence is currently insufficient to determine the role of this variant in disease. Therefore, it has been classified as a Variant of Uncertain Significance.

Ambry Genetics
Classification: Uncertain significance for Cardiovascular phenotype; Hereditary cancer-predisposing syndrome. Last evaluated: 2023-12-26. Review status: criteria provided, single submitter. Criteria: Ambry Variant Classification Scheme 2023. Collection method: clinical testing. Allele origin: germline.
Comment: The p.V34A variant (also known as c.101T>C), located in coding exon 2 of the NF1 gene, results from a T to C substitution at nucleotide position 101. The valine at codon 34 is replaced by alanine, an amino acid with similar properties. This amino acid position is highly conserved in available vertebrate species. In addition, this alteration is predicted to be tolerated by in silico analysis. Since supporting evidence is limited at this time, the clinical significance of this alteration remains unclear.

NM_001042492.3(NF1):c.101T>C (p.Val34Ala)

Gene: NF1 (neurofibromin 1; plus strand). Cytogenetic location: 17q11.2.
Variant type: single nucleotide variant.
Coding change: c.101T>C on transcript NM_001042492.3 (MANE Select); coding-DNA position 101, T replaced by C.
Protein change: p.Val34Ala; replaces valine 34 with alanine.
Molecular consequence: missense variant.
Genome position (GRCh38, 1-based): chr17:31,156,023, T>C. VCF-style: chr17-31156023-T-C. GRCh37 (hg19) VCF-style: chr17-29483041-T-C.
Other names: c.101T>C, p.Val34Ala (NM_000267.4, NM_001128147.3); short protein forms V34A.
Identifiers: ClinVar variation 1009951 (VCV001009951.6), dbSNP rs1217358160, ClinGen allele CA398988235.